The following is an entry in ClinVar:

NM_000785.4(CYP27B1):c.21C>G (p.Tyr7Ter)

Gene: CYP27B1 (cytochrome P450 family 27 subfamily B member 1; minus strand). Cytogenetic location: 12q14.1.
Variant type: single nucleotide variant.
Coding change: c.21C>G on transcript NM_000785.4 (MANE Select); coding-DNA position 21, C replaced by G.
Protein change: p.Tyr7Ter; replaces tyrosine 7 with a stop codon.
Molecular consequence: nonsense.
Genome position (GRCh38, 1-based): chr12:57,767,021, G>C on the plus strand (C>G on the coding strand, the complement: CYP27B1 is on the minus strand). VCF-style: chr12-57767021-G-C. GRCh37 (hg19) VCF-style: chr12-58160804-G-C.
Other names: short protein forms Y7*.
Identifiers: ClinVar variation 2779199 (VCV002779199.3), dbSNP rs778438734, ClinGen allele CA6658567.

ClinVar aggregate classification (germline): Pathogenic (1 of 4 stars; one submission).

Allele frequency attached by ClinVar (database versions not stated): TOPMed below 0.00001; gnomAD exomes 0.00001; ExAC 0.00002.
gnomAD v4.1: 5 of 1,614,192 alleles (0.00031%); highest among the groups gnomAD compares: Admixed American, 0.0083%; no homozygotes.

Submission:

Labcorp Genetics (formerly Invitae), Labcorp
Classification: Pathogenic. Last evaluated: 2023-10-06. Review status: criteria provided, single submitter. Criteria: Invitae Variant Classification Sherloc (09022015). Collection method: clinical testing. Allele origin: germline.
Comment: This sequence change creates a premature translational stop signal (p.Tyr7*) in the CYP27B1 gene. It is expected to result in an absent or disrupted protein product. Loss-of-function variants in CYP27B1 are known to be pathogenic (PMID: 9837822, 17488797). This variant is present in population databases (rs778438734, gnomAD 0.01%). This variant has not been reported in the literature in individuals affected with CYP27B1-related conditions. For these reasons, this variant has been classified as Pathogenic.

Literature cited by the submitters: PubMed 9837822; PubMed 17488797.